The following is an entry in ClinVar:

NM_000051.4(ATM):c.6522C>A (p.Ser2174Arg)

Genes: ATM (ATM serine/threonine kinase; plus strand), C11orf65 (chromosome 11 open reading frame 65; minus strand). Cytogenetic location: 11q22.3.
Variant type: single nucleotide variant.
Coding change: c.6522C>A on transcript NM_000051.4 (MANE Select); coding-DNA position 6522, C replaced by A.
Protein change: p.Ser2174Arg; replaces serine 2174 with arginine.
Molecular consequence: missense variant. On other transcripts: intron variant (2).
Genome position (GRCh38, 1-based): chr11:108,321,370, C>A. VCF-style: chr11-108321370-C-A. GRCh37 (hg19) VCF-style: chr11-108192097-C-A.
Other names: c.6522C>A, p.Ser2174Arg (NM_001351834.2); c.641-12299G>T (NM_001330368.2); c.*39-12299G>T (NM_001351110.2); short protein forms S2174R.
Identifiers: ClinVar variation 186408 (VCV000186408.29), dbSNP rs772850740, ClinGen allele CA194737.

ClinVar aggregate classification (germline): Uncertain significance. Review status: criteria provided, multiple submitters, no conflicts (2 of 4 stars). 8 submissions from 8 submitters: Uncertain significance (7). 1 of the submissions does not count toward it. Last evaluated 2025-12-16.

Conditions:
Hereditary cancer-predisposing syndrome. Also called: Hereditary Cancer Syndrome; Tumor predisposition; Neoplastic Syndromes, Hereditary; Hereditary neoplastic syndrome. Identifiers: Orphanet 140162, MedGen C0027672, MeSH D009386, MONDO:0015356.
Familial cancer of breast. Also called: hereditary breast carcinoma; BREAST CANCER, FAMILIAL; Hereditary breast cancer. Identifiers: Orphanet 227535, MedGen C0346153, MONDO:0016419, OMIM 114480. Disease mechanism: loss of function.
Ataxia-telangiectasia syndrome (AT). Also called: ATAXIA-TELANGIECTASIA, COMPLEMENTATION GROUP A; ATAXIA-TELANGIECTASIA, FRESNO VARIANT; Ataxia-telangiectasia; Ataxia-telangiectasia, complementation group E; Cerebello-oculocutaneous telangiectasia; Immunodeficiency with ataxia telangiectasia. Identifiers: Orphanet 100, MedGen C0004135, MONDO:0008840, OMIM 208900.

gnomAD v4.1: 1 of 1,614,172 alleles (0.000062%); highest among the groups gnomAD compares: Admixed American, 0.0017%; no homozygotes.

Submissions (8):

Color Diagnostics, LLC DBA Color Health
Classification: Uncertain significance for Hereditary cancer-predisposing syndrome. Last evaluated: 2025-12-16. Review status: criteria provided, single submitter. Criteria: ACMG Guidelines, 2015. Collection method: clinical testing. Allele origin: germline.
Comment: This missense variant replaces serine with arginine at codon 2174 of the ATM protein. Computational prediction suggests that this variant may not impact protein structure and function. To our knowledge, functional studies have not been reported for this variant. This variant has been reported in a breast cancer case-control study in 1/7104 cases and 5/23731 unaffected individuals (PMID: 30287823). This variant has been identified in 1/1614172 chromosomes in the general population by the Genome Aggregation Database (gnomAD). The available evidence is insufficient to determine the role of this variant in disease conclusively. Therefore, this variant is classified as a Variant of Uncertain Significance.

Labcorp Genetics (formerly Invitae), Labcorp
Classification: Uncertain significance for Ataxia-telangiectasia syndrome. Last evaluated: 2025-12-06. Review status: criteria provided, single submitter. Criteria: Invitae Variant Classification Sherloc (09022015). Collection method: clinical testing. Allele origin: germline.
Comment: This sequence change replaces serine, which is neutral and polar, with arginine, which is basic and polar, at codon 2174 of the ATM protein (p.Ser2174Arg). This variant is present in population databases (rs772850740, gnomAD 0.003%). This variant has not been reported in the literature in individuals affected with ATM-related conditions. ClinVar contains an entry for this variant (Variation ID: 186408). Invitae Evidence Modeling of protein sequence and biophysical properties (such as structural, functional, and spatial information, amino acid conservation, physicochemical variation, residue mobility, and thermodynamic stability) indicates that this missense variant is not expected to disrupt ATM protein function with a negative predictive value of 95%. In summary, the available evidence is currently insufficient to determine the role of this variant in disease. Therefore, it has been classified as a Variant of Uncertain Significance.

Quest Diagnostics Nichols Institute San Juan Capistrano
Classification: Uncertain significance. Last evaluated: 2024-09-24. Review status: criteria provided, single submitter. Criteria: Quest Diagnostics criteria. Collection method: clinical testing. Allele origin: unknown.
Comment: The ATM c.6522C>A (p.Ser2174Arg) variant has not been reported in individuals with ATM-related conditions in the published literature. The frequency of this variant in the general population, 0.000004 (1/251456 chromosomes (Genome Aggregation Database)), is uninformative in the assessment of its pathogenicity. Analysis of this variant using bioinformatics tools for the prediction of the effect of amino acid changes on protein structure and function yielded predictions that this variant is benign. Based on the available information, we are unable to determine the clinical significance of this variant.

Ambry Genetics
Classification: Uncertain significance for Hereditary cancer-predisposing syndrome. Last evaluated: 2024-08-27. Review status: criteria provided, single submitter. Criteria: Ambry Variant Classification Scheme 2023. Collection method: clinical testing. Allele origin: germline.
Comment: The p.S2174R variant (also known as c.6522C>A), located in coding exon 44 of the ATM gene, results from a C to A substitution at nucleotide position 6522. The serine at codon 2174 is replaced by arginine, an amino acid with dissimilar properties. This amino acid position is not well conserved in available vertebrate species. In addition, this alteration is predicted to be tolerated by in silico analysis. Based on the available evidence, the clinical significance of this variant remains unclear.

GeneDx
Classification: Uncertain significance. Last evaluated: 2024-07-08. Review status: criteria provided, single submitter. Criteria: GeneDx Variant Classification Process June 2021. Collection method: clinical testing. Allele origin: germline. Affected: yes.
Comment: Not observed at significant frequency in large population cohorts (gnomAD); In silico analysis indicates that this missense variant does not alter protein structure/function; Has not been previously published as pathogenic or benign to our knowledge; This variant is associated with the following publications: (PMID: 23532176, 30287823)

Baylor Genetics
Classification: Uncertain significance for Familial cancer of breast. Last evaluated: 2024-01-21. Review status: criteria provided, single submitter. Criteria: ACMG Guidelines, 2015. Collection method: clinical testing. Allele origin: unknown.

Fulgent Genetics
Classification: Uncertain significance for Familial cancer of breast; Ataxia-telangiectasia syndrome. Last evaluated: 2022-03-15. Review status: criteria provided, single submitter. Criteria: ACMG Guidelines, 2015. Collection method: clinical testing. Allele origin: unknown.

Natera, Inc.
Classification: Uncertain significance for Ataxia-telangiectasia. Last evaluated: 2020-11-24. Review status: no assertion criteria provided. Collection method: clinical testing. Allele origin: germline. Not counted in ClinVar's aggregate classification.

Literature cited by the submitters: PubMed 30287823 (cited by Color Diagnostics, LLC DBA Color Health).